The following is an entry in ClinVar:

ClinVar aggregate classification (germline): Likely pathogenic. Review status: criteria provided, multiple submitters, no conflicts (2 of 4 stars). 2 submissions from 2 submitters: Likely pathogenic (2). Last evaluated 2024-12-19.

Conditions:
Mitochondrial complex I deficiency. Also called: NADH:Q(1) OXIDOREDUCTASE DEFICIENCY. Identifiers: Orphanet 2609, MedGen C1838979, MeSH C537475, MONDO:0100133.
Mitochondrial complex I deficiency, nuclear type 16. Also called: Mitochondrial complex 1 deficiency, nuclear type 16. Identifiers: MedGen C4748785, MONDO:0032621, OMIM 618238.

Submissions (2):

Natera, Inc.
Classification: Likely pathogenic for Mitochondrial complex I deficiency. Last evaluated: 2024-12-19. Review status: criteria provided, single submitter. Criteria: Natera Variant Classification Schema (03/2026). Collection method: clinical testing. Allele origin: germline.
Comment: The c.380dup variant in NDUFAF5 is a frameshift variant predicted to shift the reading frame beginning at codon 127 and leads to a stop codon 15 codons downstream. This variant is expected to result in nonsense mediated decay, truncation, or a dysfunctional protein product. This variant is rare in the general population with a frequency below the threshold expected for the associated phenotype(s). Given the available evidence, this variant is classified as Likely Pathogenic.

Baylor Genetics
Classification: Likely pathogenic for Mitochondrial complex I deficiency, nuclear type 16. Last evaluated: 2022-09-28. Review status: criteria provided, single submitter. Criteria: ACMG Guidelines, 2015. Collection method: clinical testing. Allele origin: unknown.

NM_024120.5(NDUFAF5):c.380dup (p.Asn127fs)

Gene: NDUFAF5 (NADH:ubiquinone oxidoreductase complex assembly factor 5; plus strand). Cytogenetic location: 20p12.1.
Variant type: Duplication.
Coding change: c.380dup on transcript NM_024120.5 (MANE Select); coding-DNA position 380, one base duplicated (A; older notation c.380dupA).
Protein change: p.Asn127fs; shifts the reading frame from asparagine 127.
Molecular consequence: frameshift variant. On other transcripts: 5 prime UTR variant (2), non-coding transcript variant (5), intron variant (2).
Genome position (GRCh38, 1-based): chr20:13,794,842, A duplicated; the last of 5 consecutive A bases (chr20:13,794,838-13,794,842); duplicating any one gives the same sequence. VCF-style (leftmost placement, unchanged base first): chr20-13794837-G-GA. GRCh37 (hg19) VCF-style: chr20-13775483-G-GA.
Other names: c.380dup (NM_024120.4); c.-182dup (NM_001352406.2, NM_001352407.2); c.380dup, p.Asn127fs (NM_001352408.2); c.395+1615dup (NM_001039375.3); c.8+1615dup (NM_001352403.2); short protein forms N127fs.
Identifiers: ClinVar variation 2676985 (VCV002676985.2), dbSNP rs1982922536, ClinGen allele CA2351371473.